The following is an entry in ClinVar:

ClinVar aggregate classification (germline): Pathogenic (1 of 4 stars; one submission).

Conditions:
Ellis-van Creveld syndrome (EVC). Also called: MESOECTODERMAL DYSPLASIA; Chondroectodermal dysplasia; EVC-Related Ellis-van Creveld Syndrome; EVC2-Related Ellis-van Creveld Syndrome. Identifiers: Orphanet 289, MedGen C0013903, MONDO:0009162, OMIM 225500.
Curry-Hall syndrome (WAD). Also called: WEYERS ACRODENTAL DYSOSTOSIS. Identifiers: Orphanet 952, MedGen C0457013, MONDO:0008673, OMIM 193530.

Submission:

Labcorp Genetics (formerly Invitae), Labcorp
Classification: Pathogenic for Curry-Hall syndrome; Ellis-van Creveld syndrome. Last evaluated: 2023-09-04. Review status: criteria provided, single submitter. Criteria: Invitae Variant Classification Sherloc (09022015). Collection method: clinical testing. Allele origin: unknown.
Comment: This variant is a gross deletion of the genomic region encompassing exon(s) 10-15 of the EVC2 gene. This deletion is out-of-frame, and is expected to create a premature termination codon and result in an absent or disrupted protein product. Loss-of-function variants in EVC2 are known to be pathogenic (PMID: 17024374, 19810119, 19876929). This variant has not been reported in the literature in individuals affected with EVC2-related conditions. For these reasons, this variant has been classified as Pathogenic.

Literature cited by the submitters: PubMed 17024374; PubMed 19810119; PubMed 19876929.

NC_000004.11:g.(?_5620185)_(5642585_?)del

Gene: EVC2 (EvC ciliary complex subunit 2; minus strand). Cytogenetic location: 4p16.2.
Variant type: Deletion.
Identifiers: ClinVar variation 3246625 (VCV003246625.1).